The following is an entry in ClinVar:

NM_005219.5(DIAPH1):c.644A>G (p.His215Arg)

Gene: DIAPH1 (diaphanous related formin 1; minus strand). Cytogenetic location: 5q31.3.
Variant type: single nucleotide variant.
Coding change: c.644A>G on transcript NM_005219.5 (MANE Select); coding-DNA position 644, A replaced by G.
Protein change: p.His215Arg; replaces histidine 215 with arginine.
Molecular consequence: missense variant.
Genome position (GRCh38, 1-based): chr5:141,582,352, T>C on the plus strand (A>G on the coding strand, the complement: DIAPH1 is on the minus strand). VCF-style: chr5-141582352-T-C. GRCh37 (hg19) VCF-style: chr5-140961919-T-C.
Other names: c.617A>G, p.His206Arg (NM_001079812.3); c.644A>G, p.His215Arg (NM_001314007.2); short protein forms H206R, H215R.
Identifiers: ClinVar variation 422640 (VCV000422640.10), dbSNP rs1064795909, ClinGen allele CA16618133.

ClinVar aggregate classification (germline): Uncertain significance. Review status: criteria provided, multiple submitters, no conflicts (2 of 4 stars). 2 submissions from 2 submitters: Uncertain significance (2). Last evaluated 2020-10-29.

Submissions (2):

GeneDx
Classification: Uncertain significance. Last evaluated: 2020-10-29. Review status: criteria provided, single submitter. Criteria: GeneDx Variant Classification Process June 2021. Collection method: clinical testing. Allele origin: germline. Affected: yes.
Comment: Not observed in large population cohorts (Lek et al., 2016); In silico analysis supports that this missense variant has a deleterious effect on protein structure/function; Has not been previously published as pathogenic or benign to our knowledge

ARUP Laboratories, Molecular Genetics and Genomics, ARUP Laboratories
Classification: Uncertain significance. Last evaluated: 2017-09-22. Review status: criteria provided, single submitter. Criteria: ARUP Molecular Germline Variant Investigation Process. Collection method: clinical testing. Allele origin: germline.
Comment: The p.His215Arg variant (rs1064795909) has not been reported in the medical literature, nor is it listed in general population databases such as the NHLBI GO Exome Sequencing Project (ESP), the Genome Aggregation Database (gnomAD) browser, and 1000 Genomes. The p.His215Arg is classified as a variant of uncertain significance in ClinVar (Variant ID: 422640). The histidine at codon 215 is moderately conserved considering 12 species (Alamut software v2.9.0), and computational analyses suggest that this variant does affect DIAPH1 protein structure/function (SIFT: damaging, PolyPhen2: probably damaging, MutationTaster: disease causing). However, the available information is insufficient to classify the clinical significance of the p.His215Arg variant with certainty.